The following is an entry in ClinVar:

ClinVar aggregate classification (germline): Uncertain significance. Review status: criteria provided, multiple submitters, no conflicts (2 of 4 stars). 2 submissions from 2 submitters: Uncertain significance (2). Last evaluated 2025-11-24.

Conditions:
Inborn genetic diseases. Identifiers: MedGen C0950123, MeSH D030342.
Predisposition to invasive fungal disease due to CARD9 deficiency (IMD103). Also called: Candidiasis, familial, 2, autosomal recessive; CARD9 IMMUNODEFICIENCY; IMMUNODEFICIENCY 103, SUSCEPTIBILITY TO FUNGAL INFECTIONS. Identifiers: Orphanet 457088, MedGen C1859353, MONDO:0008905, OMIM 212050.

Allele frequency attached by ClinVar (database versions not stated): gnomAD 0.00001 and 0.00002; TOPMed 0.00001; gnomAD exomes 0.00002.

Submissions (2):

Ambry Genetics
Classification: Uncertain significance for Inborn genetic diseases. Last evaluated: 2025-11-24. Review status: criteria provided, single submitter. Criteria: Ambry Variant Classification Scheme 2023. Collection method: clinical testing. Allele origin: germline.

Labcorp Genetics (formerly Invitae), Labcorp
Classification: Uncertain significance for Predisposition to invasive fungal disease due to CARD9 deficiency. Last evaluated: 2022-01-07. Review status: criteria provided, single submitter. Criteria: Invitae Variant Classification Sherloc (09022015). Collection method: clinical testing. Allele origin: germline.
Comment: This sequence change replaces glutamic acid, which is acidic and polar, with glycine, which is neutral and non-polar, at codon 344 of the CARD9 protein (p.Glu344Gly). This variant is present in population databases (rs748158820, gnomAD 0.009%). This variant has not been reported in the literature in individuals affected with CARD9-related conditions. ClinVar contains an entry for this variant (Variation ID: 939906). Algorithms developed to predict the effect of missense changes on protein structure and function are either unavailable or do not agree on the potential impact of this missense change (SIFT: "Deleterious"; PolyPhen-2: "Benign"; Align-GVGD: "Class C0"). In summary, the available evidence is currently insufficient to determine the role of this variant in disease. Therefore, it has been classified as a Variant of Uncertain Significance.

NM_052813.5(CARD9):c.1031A>G (p.Glu344Gly)

Gene: CARD9 (caspase recruitment domain family member 9; minus strand). Cytogenetic location: 9q34.3.
Variant type: single nucleotide variant.
Coding change: c.1031A>G on transcript NM_052813.5 (MANE Select); coding-DNA position 1031, A replaced by G.
Protein change: p.Glu344Gly; replaces glutamic acid 344 with glycine.
Molecular consequence: missense variant.
Genome position (GRCh38, 1-based): chr9:136,369,796, T>C on the plus strand (A>G on the coding strand, the complement: CARD9 is on the minus strand). VCF-style: chr9-136369796-T-C. GRCh37 (hg19) VCF-style: chr9-139264248-T-C.
Other names: c.1031A>G, p.Glu344Gly (NM_052814.4); short protein forms E344G.
Identifiers: ClinVar variation 939906 (VCV000939906.8), dbSNP rs748158820, ClinGen allele CA201613206.